The following is an entry in ClinVar:

NM_019032.6(ADAMTSL4):c.311C>A (p.Pro104His)

Genes: ADAMTSL4 (ADAMTS like 4; plus strand), ADAMTSL4-AS2 (ADAMTSL4 antisense RNA 2; minus strand). Cytogenetic location: 1q21.2.
Variant type: single nucleotide variant.
Coding change: c.311C>A on transcript NM_019032.6 (MANE Select); coding-DNA position 311, C replaced by A.
Protein change: p.Pro104His; replaces proline 104 with histidine.
Molecular consequence: missense variant.
Genome position (GRCh38, 1-based): chr1:150,553,130, C>A. VCF-style: chr1-150553130-C-A. GRCh37 (hg19) VCF-style: chr1-150525606-C-A.
Other names: c.311C>A, p.Pro104His (NM_001288607.2, NM_001288608.2, NM_001378596.1 and 1 more transcripts); short protein forms P104H.
Identifiers: ClinVar variation 1980560 (VCV001980560.1), dbSNP rs775513427, ClinGen allele CA342299688.
Genomic context (GRCh38, chr1:150,553,130, plus strand): 5'-TCCCTCCCCGGCCCCCAAGACATCCAGAAGCCCTCCTCCCCCGGGGCCAGGGTCCCAGAC[C>A]CCAGACTTCTCCAGAAACCCTCCCCTTGTACAGGACACAGTCTCGGGGAAGGGGTGGCCC-3'
Protein context (NP_061905.2, residues 94-114): ALLPRGQGPR[Pro104His]QTSPETLPLY

ClinVar aggregate classification (germline): Uncertain significance (1 of 4 stars; one submission).

gnomAD v4.1: 1 of 1,613,212 alleles (0.000062%); highest among the groups gnomAD compares: Admixed American, 0.0017%; no homozygotes.

Submission:

Labcorp Genetics (formerly Invitae), Labcorp
Classification: Uncertain significance. Last evaluated: 2022-10-17. Review status: criteria provided, single submitter. Criteria: Invitae Variant Classification Sherloc (09022015). Collection method: clinical testing. Allele origin: germline.
Comment: This sequence change replaces proline, which is neutral and non-polar, with histidine, which is basic and polar, at codon 104 of the ADAMTSL4 protein (p.Pro104His). This variant is present in population databases (no rsID available, gnomAD 0.006%). This variant has not been reported in the literature in individuals affected with ADAMTSL4-related conditions. Advanced modeling of protein sequence and biophysical properties (such as structural, functional, and spatial information, amino acid conservation, physicochemical variation, residue mobility, and thermodynamic stability) has been performed at Invitae for this missense variant, however the output from this modeling did not meet the statistical confidence thresholds required to predict the impact of this variant on ADAMTSL4 protein function. In summary, the available evidence is currently insufficient to determine the role of this variant in disease. Therefore, it has been classified as a Variant of Uncertain Significance.